The following is an entry in ClinVar:

NM_000057.4(BLM):c.154G>A (p.Val52Met)

Gene: BLM (BLM RecQ like helicase; plus strand). Cytogenetic location: 15q26.1.
Variant type: single nucleotide variant.
Coding change: c.154G>A on transcript NM_000057.4 (MANE Select); coding-DNA position 154, G replaced by A.
Protein change: p.Val52Met; replaces valine 52 with methionine.
Molecular consequence: missense variant. On other transcripts: 5 prime UTR variant (1).
Genome position (GRCh38, 1-based): chr15:90,749,422, G>A. VCF-style: chr15-90749422-G-A. GRCh37 (hg19) VCF-style: chr15-91292652-G-A.
Other names: c.154G>A (NM_000057.3, NM_000057.2); c.154G>A, p.Val52Met (NM_001287246.2, NM_001287247.2); c.-1138G>A (NM_001287248.2); short protein forms V52M.
Identifiers: ClinVar variation 1512424 (VCV001512424.8), dbSNP rs2151146745, ClinGen allele CA393839494.
Genomic context (GRCh38, chr15:90,749,422, plus strand): 5'-TTCAGAGGTTTCACTTTTAAAAAGAAAACATCTTCAGATAACAATGTATCTGTAACTAAT[G>A]TGTCAGTAGCAAAAACACCTGTATTAAGAAATAAAGATGTTAATGTTACCGAAGACTTTT-3'
Protein context (NP_000048.1, residues 42-62): SSDNNVSVTN[Val52Met]SVAKTPVLRN

ClinVar aggregate classification (germline): Uncertain significance. Review status: criteria provided, multiple submitters, no conflicts (2 of 4 stars). 3 submissions from 3 submitters: Uncertain significance (3). Last evaluated 2026-03-02.

Conditions:
Hereditary cancer-predisposing syndrome. Also called: Neoplastic Syndromes, Hereditary; Tumor predisposition; Hereditary Cancer Syndrome; Hereditary neoplastic syndrome. Identifiers: Orphanet 140162, MedGen C0027672, MeSH D009386, MONDO:0015356.
Bloom syndrome (BLM). Also called: Bloom-Torre-Machacek syndrome. Identifiers: Orphanet 125, MedGen C0005859, MONDO:0008876, OMIM 210900.

Submissions (3):

Ambry Genetics
Classification: Uncertain significance for Hereditary cancer-predisposing syndrome. Last evaluated: 2026-03-02. Review status: criteria provided, single submitter. Criteria: Ambry Variant Classification Scheme 2023. Collection method: clinical testing. Allele origin: germline.
Comment: The p.V52M variant (also known as c.154G>A), located in coding exon 2 of the BLM gene, results from a G to A substitution at nucleotide position 154. The valine at codon 52 is replaced by methionine, an amino acid with highly similar properties. This amino acid position is conserved. In addition, this alteration is predicted to be tolerated by in silico analysis. Based on the available evidence, the clinical significance of this variant remains unclear.

Quest Diagnostics Nichols Institute San Juan Capistrano
Classification: Uncertain significance. Last evaluated: 2023-04-04. Review status: criteria provided, single submitter. Criteria: Quest Diagnostics criteria. Collection method: clinical testing. Allele origin: unknown.
Comment: The variant has not been reported in the published literature. It also has not been reported in large, multi-ethnic general populations. Analysis of this variant using bioinformatics tools for the prediction of the effect of amino acid changes on protein structure and function yielded predictions that this variant is benign. Based on the available information, we are unable to determine the clinical significance of this variant.

Labcorp Genetics (formerly Invitae), Labcorp
Classification: Uncertain significance for Bloom syndrome. Last evaluated: 2022-08-10. Review status: criteria provided, single submitter. Criteria: Invitae Variant Classification Sherloc (09022015). Collection method: clinical testing. Allele origin: germline.
Comment: In summary, the available evidence is currently insufficient to determine the role of this variant in disease. Therefore, it has been classified as a Variant of Uncertain Significance. Algorithms developed to predict the effect of missense changes on protein structure and function (SIFT, PolyPhen-2, Align-GVGD) all suggest that this variant is likely to be tolerated. ClinVar contains an entry for this variant (Variation ID: 1512424). This variant has not been reported in the literature in individuals affected with BLM-related conditions. This variant is not present in population databases (gnomAD no frequency). This sequence change replaces valine, which is neutral and non-polar, with methionine, which is neutral and non-polar, at codon 52 of the BLM protein (p.Val52Met).